The following is an entry in ClinVar:

NM_016239.4(MYO15A):c.3867-2A>C

Gene: MYO15A (myosin XVA; plus strand). Cytogenetic location: 17p11.2.
Variant type: single nucleotide variant.
Coding change: c.3867-2A>C on transcript NM_016239.4 (MANE Select); the canonical splice acceptor site of the intron before coding-DNA position 3867, A replaced by C.
Molecular consequence: splice acceptor variant.
Genome position (GRCh38, 1-based): chr17:18,126,789, A>C. VCF-style: chr17-18126789-A-C. GRCh37 (hg19) VCF-style: chr17-18030103-A-C.
Identifiers: ClinVar variation 2982364 (VCV002982364.3), dbSNP rs1407033442, ClinGen allele CA398590502.

ClinVar aggregate classification (germline): Likely pathogenic (1 of 4 stars; one submission).

Allele frequency attached by ClinVar (database versions not stated): gnomAD 0.00001; gnomAD exomes 0.00001; TOPMed 0.00002.
gnomAD v4.1: 7 of 1,613,988 alleles (0.00043%); highest among the groups gnomAD compares: Non-Finnish European, 0.00059%; no homozygotes.

Submission:

Labcorp Genetics (formerly Invitae), Labcorp
Classification: Likely pathogenic. Last evaluated: 2022-12-02. Review status: criteria provided, single submitter. Criteria: Invitae Variant Classification Sherloc (09022015). Collection method: clinical testing. Allele origin: germline.
Comment: In summary, the currently available evidence indicates that the variant is pathogenic, but additional data are needed to prove that conclusively. Therefore, this variant has been classified as Likely Pathogenic. Algorithms developed to predict the effect of sequence changes on RNA splicing suggest that this variant may disrupt the consensus splice site. This variant has not been reported in the literature in individuals affected with MYO15A-related conditions. This variant is not present in population databases (gnomAD no frequency). This sequence change affects an acceptor splice site in intron 5 of the MYO15A gene. It is expected to disrupt RNA splicing. Variants that disrupt the donor or acceptor splice site typically lead to a loss of protein function (PMID: 16199547), and loss-of-function variants in MYO15A are known to be pathogenic (PMID: 17546645).

Literature cited by the submitters: PubMed 16199547; PubMed 17546645.